The following is an entry in ClinVar:

ClinVar aggregate classification (germline): Uncertain significance (1 of 4 stars; one submission).

Conditions:
Cohen syndrome (COH1). Also called: PEPPER SYNDROME; Cutis verticis gyrata, retinitis pigmentosa, and sensorineural deafness. Identifiers: Orphanet 193, MedGen C0265223, MONDO:0008999, OMIM 216550.

Submission:

Baylor Genetics
Classification: Uncertain significance for Cohen syndrome. Last evaluated: 2018-08-14. Review status: criteria provided, single submitter. Criteria: ACMG Guidelines, 2015. Collection method: clinical testing. Allele origin: maternal. Affected: yes.
Comment: This variant was determined to be of uncertain significance according to ACMG Guidelines, 2015 [PMID:25741868].

NM_152564.5(VPS13B):c.7934C>G (p.Ser2645Cys)

Gene: VPS13B (vacuolar protein sorting 13 homolog B; plus strand). Cytogenetic location: 8q22.2.
Variant type: single nucleotide variant.
Coding change: c.7934C>G on transcript NM_152564.5 (MANE Select); coding-DNA position 7934, C replaced by G.
Protein change: p.Ser2645Cys; replaces serine 2645 with cysteine.
Molecular consequence: missense variant.
Genome position (GRCh38, 1-based): chr8:99,784,469, C>G. VCF-style: chr8-99784469-C-G. GRCh37 (hg19) VCF-style: chr8-100796697-C-G.
Other names: c.8009C>G, p.Ser2670Cys (NM_017890.5); short protein forms S2645C, S2670C.
Identifiers: ClinVar variation 1033872 (VCV001033872.1), dbSNP rs1812163324, ClinGen allele CA371766749.